The following is an entry in ClinVar:

NM_015272.5(RPGRIP1L):c.1950C>T (p.Gly650=)

Gene: RPGRIP1L (RPGRIP1 like; minus strand). Cytogenetic location: 16q12.2.
Variant type: single nucleotide variant.
Coding change: c.1950C>T on transcript NM_015272.5 (MANE Select); coding-DNA position 1950, C replaced by T.
Protein change: p.Gly650=; no amino-acid change (glycine 650 retained).
Molecular consequence: synonymous variant.
Genome position (GRCh38, 1-based): chr16:53,652,737, G>A on the plus strand (C>T on the coding strand, the complement: RPGRIP1L is on the minus strand). VCF-style: chr16-53652737-G-A. GRCh37 (hg19) VCF-style: chr16-53686649-G-A.
Other names: p.Gly650=; c.1950C>T (NM_015272.4); c.1950C>T, p.Gly650= (NM_001127897.4, NM_001308334.3, NM_001330538.2).
Identifiers: ClinVar variation 1155497 (VCV001155497.12), dbSNP rs371258046, ClinGen allele CA8057668.

ClinVar aggregate classification (germline): Likely benign. Review status: criteria provided, multiple submitters, no conflicts (2 of 4 stars). 4 submissions from 4 submitters: Likely benign (4). Last evaluated 2025-09-24.

Conditions:
RPGRIP1L-related disorder. Also called: RPGRIP1L-related disorders; RPGRIP1L-related condition. Identifiers: MedGen CN239416.
Joubert syndrome. Also called: JOUBERT-BOLTSHAUSER SYNDROME; Familial aplasia of the vermis. Identifiers: Orphanet 475, MedGen C5979921, MONDO:0018772.
Meckel-Gruber syndrome. Also called: DYSENCEPHALIA SPLANCHNOCYSTICA; GRUBER SYNDROME; Dysencephalia splachnocystica. Identifiers: Orphanet 564, MedGen C0265215, MONDO:0018921.

Allele frequency attached by ClinVar (database versions not stated): gnomAD 0.00001; gnomAD exomes 0.00001; ExAC 0.00002; TOPMed 0.00002; ESP Exome Variant Server 0.00015.
gnomAD v4.1: 13 of 1,614,012 alleles (0.00081%); highest among the groups gnomAD compares: Non-Finnish European, 0.0011%; no homozygotes.

Submissions (4):

Mayo Clinic Laboratories, Mayo Clinic
Classification: Likely benign. Last evaluated: 2025-09-24. Review status: criteria provided, single submitter. Criteria: ACMG Guidelines, 2015. Collection method: clinical testing. Allele origin: germline. Observed: 1 variant allele.
Comment: BP4, BP7

PreventionGenetics, part of Exact Sciences
Classification: Likely benign for RPGRIP1L-related condition. Last evaluated: 2025-09-02. Review status: criteria provided, single submitter. Criteria: ACMG Guidelines, 2015. Collection method: clinical testing. Allele origin: germline.
Comment: This variant is classified as likely benign based on ACMG/AMP sequence variant interpretation guidelines (Richards et al. 2015 PMID: 25741868, with internal and published modifications).

Labcorp Genetics (formerly Invitae), Labcorp
Classification: Likely benign for Joubert syndrome; Meckel-Gruber syndrome. Last evaluated: 2025-04-17. Review status: criteria provided, single submitter. Criteria: Invitae Variant Classification Sherloc (09022015). Collection method: clinical testing. Allele origin: germline.

Blueprint Genetics
Classification: Likely benign. Last evaluated: 2020-01-07. Review status: criteria provided, single submitter. Criteria: ACMG Guidelines, 2015. Collection method: clinical testing. Allele origin: germline.